The following is an entry in ClinVar:

ClinVar aggregate classification (germline): Likely pathogenic. Review status: reviewed by expert panel (3 of 4 stars). 10 submissions from 10 submitters: Likely pathogenic (1). 9 of the submissions do not count toward it. Last evaluated 2024-03-19.

Conditions:
Glycogen storage disease, type II (IOPD). Also called: Glucosidase acid-1,4-alpha deficiency; Pompe Disease; CARDIOMEGALIA GLYCOGENICA DIFFUSA; GLYCOGENOSIS, GENERALIZED, CARDIAC FORM; GSD II; Glycogen storage disease type 2. Identifiers: Orphanet 365, MedGen C0017921, MONDO:0009290, OMIM 232300.

Allele frequency attached by ClinVar (database versions not stated): gnomAD 0.00001; gnomAD exomes 0.00001; TOPMed 0.00001.
gnomAD v4.1: 10 of 1,613,804 alleles (0.00062%); highest among the groups gnomAD compares: Non-Finnish European, 0.00085%; no homozygotes.

Submissions (10):

ClinGen Lysosomal Storage Disorder Variant Curation Expert Panel
Classification: Likely pathogenic for Glycogen storage disease, type II. Last evaluated: 2024-03-19. Review status: reviewed by expert panel. Criteria: clingen_lsd_acmg_specifications_v2-1. Collection method: curation. Allele origin: germline. Inheritance: Autosomal recessive inheritance.
Comment: The NM_000152.5:c.1564C>T variant in GAA is a missense variant predicted to cause substitution of proline by serine at amino acid 522 (p.Pro522Ser). Two probands with a confirmed diagnosis of IOPD have been reported with this variant (PMID: 32518148, 38250073), both CRIM-positive, one with documented symptoms of IOPD and the other on ERT (PP4_Moderate). Both probands are compound heterozygotes for the variant and other variants that have yet to be classified by the ClinGen Lysosomal Diseases VCEP (PM3_Not Met). This variant has a minor allele frequency in gnomAD v2.1.1 of 0.00001761 in the European (non-Finnish) population, which is lower than the ClinGen Lysosomal Diseases VCEP threshold (<0.001) for PM2, meeting this criterion. Functional assays support a deleterious effect of this variant, when expressed in COS cells, this variant was classified as Class B ("potentially less severe"). This includes 0.8% GAA activity in cells and 0.8% in medium, and evidence of abnormal synthesis and processing on Western blot (PMID: 22644586) (PS3_Moderate). The computational predictor REVEL gives a score of 0.932 which is higher than the ClinGen LD VCEP threshold for PP3 (>0.7) and therefore meets this criterion. There is a ClinVar entry for this variant (Variation ID: 972746). In summary, this variant meets the criteria to be classified as Likely Pathogenic for Pompe disease. GAA-specific ACMG/AMP criteria met, based on the specifications of the ClinGen Lysosomal Diseases VCEP: PP4_Moderate, PS3_Moderate, PM2_Supporting, PP3. (Classification approved by the ClinGen Lysosomal Diseases Variant Curation Expert Panel on March 19, 2024).

Genomenon, Inc
Classification: Likely pathogenic for Glycogen storage disease, type II. Last evaluated: 2026-07-01. Review status: criteria provided, single submitter. Criteria: Genomenon Sequence Variant Interpretation Standards - Updated. Collection method: curation. Allele origin: germline. Affected: yes. Not counted in ClinVar's aggregate classification.
Comment: GAA p.Pro522Ser (c.1564C>T) is a missense variant that changes the amino acid at codon 522 from Proline to Serine. This variant has been observed in at least one proband with a GAA-related disorder in the compound heterozygous and/or homozygous state (PMID:31086307;37087815). At least one functional study has demonstrated a substantial alteration in protein function relative to the wild-type (PMID:22644586). It is absent or not present at a significant frequency in gnomAD. In silico models predict that this variant is possibly or probably damaging. In conclusion, we classify GAA p.Pro522Ser (c.1564C>T) as a likely pathogenic variant.

Labcorp Genetics (formerly Invitae), Labcorp
Classification: Likely pathogenic for Glycogen storage disease, type II. Last evaluated: 2025-10-14. Review status: criteria provided, single submitter. Criteria: Invitae Variant Classification Sherloc (09022015). Collection method: clinical testing. Allele origin: germline. Not counted in ClinVar's aggregate classification.
Comment: This sequence change replaces proline, which is neutral and non-polar, with serine, which is neutral and polar, at codon 522 of the GAA protein (p.Pro522Ser). This variant is present in population databases (no rsID available, gnomAD 0.002%). This missense change has been observed on the same chromosome as p.Tyr766Asn in individual(s) with Pompe disease (PMID: 31086307). ClinVar contains an entry for this variant (Variation ID: 972746). Invitae Evidence Modeling of protein sequence and biophysical properties (such as structural, functional, and spatial information, amino acid conservation, physicochemical variation, residue mobility, and thermodynamic stability) indicates that this missense variant is expected to disrupt GAA protein function with a positive predictive value of 95%. Experimental studies have shown that this missense change affects GAA function (PMID: 22644586). This variant disrupts the p.Pro522 amino acid residue in GAA. Other variant(s) that disrupt this residue have been determined to be pathogenic (PMID: 17643989, 18429042, 26800218, 29422078). This suggests that this residue is clinically significant, and that variants that disrupt this residue are likely to be disease-causing. In summary, the currently available evidence indicates that the variant is pathogenic, but additional data are needed to prove that conclusively. Therefore, this variant has been classified as Likely Pathogenic.

CeGaT Center for Human Genetics Tuebingen
Classification: Likely pathogenic. Last evaluated: 2025-07-01. Review status: criteria provided, single submitter. Criteria: CeGaT Center For Human Genetics Tuebingen Variant Classification Criteria Version 2. Collection method: clinical testing. Allele origin: germline. Affected: yes. Observed: 1 variant allele. Not counted in ClinVar's aggregate classification.
Comment: GAA: PM1, PM2, PM5

Natera, Inc.
Classification: Likely pathogenic for Glycogen storage disease type II. Last evaluated: 2025-06-13. Review status: criteria provided, single submitter. Criteria: Natera Variant Classification Schema (03/2026). Collection method: clinical testing. Allele origin: germline. Not counted in ClinVar's aggregate classification.
Comment: The c.1564C>T variant in GAA is a missense variant predicted to cause substitution of proline to serine at amino acid 522. This variant is rare in the general population with a frequency below the threshold expected for the associated phenotype(s). Functional studies show that this variant may disrupt protein function (PMID: 22644586). A different variant at the same position has been determined to be Pathogenic or Likely Pathogenic. Computational prediction algorithms indicate this variant is likely to affect gene or protein function. Given the available evidence, this variant is classified as Likely Pathogenic.

GeneDx
Classification: Pathogenic. Last evaluated: 2023-06-05. Review status: criteria provided, single submitter. Criteria: GeneDx Variant Classification Process June 2021. Collection method: clinical testing. Allele origin: germline. Affected: yes. Not counted in ClinVar's aggregate classification.
Comment: Published functional studies demonstrate reduced enzyme activity in COS-7 and HEK-293 cells (PMID: 22644586); Not observed at significant frequency in large population cohorts (gnomAD); In silico analysis supports that this missense variant has a deleterious effect on protein structure/function; This variant is associated with the following publications: (PMID: 31086307, 18425781, 29422078, 22644586)

Revvity Omics, Revvity
Classification: Likely pathogenic. Last evaluated: 2023-01-10. Review status: criteria provided, single submitter. Criteria: ACMG Guidelines, 2015. Collection method: clinical testing. Allele origin: germline. Not counted in ClinVar's aggregate classification.

Women's Health and Genetics/Laboratory Corporation of America, LabCorp
Classification: Likely pathogenic for Glycogen storage disease, type II. Last evaluated: 2022-05-23. Review status: criteria provided, single submitter. Criteria: LabCorp Variant Classification Summary - May 2015. Collection method: clinical testing. Allele origin: germline. Not counted in ClinVar's aggregate classification.
Comment: Variant summary: GAA c.1564C>T (p.Pro522Ser) results in a non-conservative amino acid change in the encoded protein sequence. Five of five in-silico tools predict a damaging effect of the variant on protein function. The variant allele was found at a frequency of 8e-06 in 251280 control chromosomes. c.1564C>T has been reported in the literature in individuals affected with Glycogen Storage Disease, Type 2 (Pompe Disease, e.g. Kroos_2008, Kishnani_2019, Reuser_2019, De Groot_2021). At least one publication reports experimental evidence evaluating an impact on protein function. The most pronounced variant effect results in <10% of normal enzyme activity (Kroos_2012). Four clinical diagnostic laboratories have submitted clinical-significance assessments for this variant to ClinVar after 2014 without evidence for independent evaluation. All laboratories classified the variant as likely pathogenic. Based on the evidence outlined above, the variant was classified as likely pathogenic.

Genome-Nilou Lab
Classification: Likely pathogenic for Glycogen storage disease, type II. Last evaluated: 2021-07-22. Review status: criteria provided, single submitter. Criteria: ACMG Guidelines, 2015. Collection method: clinical testing. Allele origin: germline. Affected: no. Not counted in ClinVar's aggregate classification.

Broad Center for Mendelian Genomics, Broad Institute of MIT and Harvard
Classification: Likely pathogenic for Glycogen storage disease, type II. Last evaluated: 2020-01-22. Review status: criteria provided, single submitter. Criteria: ACMG Guidelines, 2015. Collection method: curation. Allele origin: germline. Inheritance: Autosomal recessive inheritance. Not counted in ClinVar's aggregate classification.
Comment: The p.Pro522Ser variant in GAA has been reported in one individual with glycogen storage disease II (PMID: 18425781) and has been identified in 0.002% (2/113602) of European (non-Finnish) chromosomes by the Genome Aggregation Database (gnomAD; dbSNP rs892129065). Although this variant has been seen in the general population, its frequency is low enough to be consistent with a recessive carrier frequency. In vitro functional studies using COS cells transfected with the variant provide some evidence that the p.Pro522Ser variant may impact protein function (PMID: 22644586). However, these types of assays may not accurately represent biological function. Two additional likely pathogenic variants, resulting in a different amino acid change at the same position, p.Pro522Thr and p.Pro522Ala, have been reported in association with disease in ClinVar, supporting that a change at this position may not be tolerated (VariationID: 44946, 371277). Computational prediction tools and conservation analyses suggest that this variant may impact the protein, though this information is not predictive enough to determine pathogenicity. In summary, although additional studies are required to fully establish its clinical significance, this variant is likely pathogenic. ACMG/AMP Criteria applied: PS3, PM2, PM5, PP3 (Richards 2015).

Literature cited by the submitters: PubMed 31086307 (cited by 3 submitters); PubMed 37087815 (cited by Genomenon, Inc); PubMed 22644586 (cited by 5 submitters); PubMed 17643989 (cited by Labcorp Genetics (formerly Invitae), Labcorp); PubMed 18429042 (cited by Labcorp Genetics (formerly Invitae), Labcorp); PubMed 26800218 (cited by Labcorp Genetics (formerly Invitae), Labcorp); PubMed 29422078 (cited by Labcorp Genetics (formerly Invitae), Labcorp); PubMed 18425781 (cited by Women's Health and Genetics/Laboratory Corporation of America, LabCorp); PubMed 31342611 (cited by Women's Health and Genetics/Laboratory Corporation of America, LabCorp); PubMed 31254424 (cited by Women's Health and Genetics/Laboratory Corporation of America, LabCorp); PubMed 34220802 (cited by Women's Health and Genetics/Laboratory Corporation of America, LabCorp); PubMed 32518148 (cited by Women's Health and Genetics/Laboratory Corporation of America, LabCorp).

NM_000152.5(GAA):c.1564C>T (p.Pro522Ser)

Gene: GAA (alpha glucosidase; plus strand). Cytogenetic location: 17q25.3.
Variant type: single nucleotide variant.
Coding change: c.1564C>T on transcript NM_000152.5 (MANE Select); coding-DNA position 1564, C replaced by T.
Protein change: p.Pro522Ser; replaces proline 522 with serine.
Molecular consequence: missense variant.
Genome position (GRCh38, 1-based): chr17:80,110,953, C>T. VCF-style: chr17-80110953-C-T. GRCh37 (hg19) VCF-style: chr17-78084752-C-T.
Other names: NM_001079804.3:c.1564C>T; c.1564C>T, p.Pro522Ser (NM_001079803.3, NM_001079804.3); c.1564C>T (NM_000152.3); short protein forms P522S.
Identifiers: ClinVar variation 972746 (VCV000972746.33), dbSNP rs892129065, ClinGen allele CA294895008.